The following is an entry in ClinVar:

ClinVar aggregate classification (germline): Uncertain significance (1 of 4 stars; one submission).

Allele frequency attached by ClinVar (database versions not stated): gnomAD 0.00001; ExAC 0.00002; TOPMed 0.00002; gnomAD exomes 0.00002.
gnomAD v4.1: 46 of 1,613,742 alleles (0.0029%); highest among the groups gnomAD compares: South Asian, 0.0044%; no homozygotes.

Submission:

Labcorp Genetics (formerly Invitae), Labcorp
Classification: Uncertain significance. Last evaluated: 2021-09-01. Review status: criteria provided, single submitter. Criteria: Invitae Variant Classification Sherloc (09022015). Collection method: clinical testing. Allele origin: germline.
Comment: This sequence change replaces asparagine with aspartic acid at codon 280 of the TYRP1 protein (p.Asn280Asp). The asparagine residue is highly conserved and there is a small physicochemical difference between asparagine and aspartic acid. This variant is present in population databases (rs767466270, ExAC 0.02%). This variant has not been reported in the literature in individuals affected with TYRP1-related conditions. Algorithms developed to predict the effect of missense changes on protein structure and function are either unavailable or do not agree on the potential impact of this missense change (SIFT: "Tolerated"; PolyPhen-2: "Probably Damaging"; Align-GVGD: "Class C0"). In summary, the available evidence is currently insufficient to determine the role of this variant in disease. Therefore, it has been classified as a Variant of Uncertain Significance.

NM_000550.3(TYRP1):c.838A>G (p.Asn280Asp)

Gene: TYRP1 (tyrosinase related protein 1; plus strand). Cytogenetic location: 9p23.
Variant type: single nucleotide variant.
Coding change: c.838A>G on transcript NM_000550.3 (MANE Select); coding-DNA position 838, A replaced by G.
Protein change: p.Asn280Asp; replaces asparagine 280 with aspartic acid.
Molecular consequence: missense variant.
Genome position (GRCh38, 1-based): chr9:12,698,580, A>G. VCF-style: chr9-12698580-A-G. GRCh37 (hg19) VCF-style: chr9-12698580-A-G.
Other names: short protein forms N280D.
Identifiers: ClinVar variation 1368304 (VCV001368304.5), dbSNP rs767466270, ClinGen allele CA4985341.